The following is an entry in ClinVar:

NM_018685.5(ANLN):c.1198A>G (p.Ile400Val)

Gene: ANLN (anillin, actin binding protein; plus strand). Cytogenetic location: 7p14.2.
Variant type: single nucleotide variant.
Coding change: c.1198A>G on transcript NM_018685.5 (MANE Select); coding-DNA position 1198, A replaced by G.
Protein change: p.Ile400Val; replaces isoleucine 400 with valine.
Molecular consequence: missense variant.
Genome position (GRCh38, 1-based): chr7:36,410,615, A>G. VCF-style: chr7-36410615-A-G. GRCh37 (hg19) VCF-style: chr7-36450224-A-G.
Other names: c.1198A>G, p.Ile400Val (NM_001284301.3, NM_001284302.3); c.1198A>G (NM_018685.2); short protein forms I400V.
Identifiers: ClinVar variation 1440732 (VCV001440732.8), dbSNP rs780364655, ClinGen allele CA4219530.

ClinVar aggregate classification (germline): Uncertain significance. Review status: criteria provided, multiple submitters, no conflicts (2 of 4 stars). 3 submissions from 3 submitters: Uncertain significance (3). Last evaluated 2024-04-08.

Conditions:
Focal segmental glomerulosclerosis 8 (FSGS8). Identifiers: Orphanet 656, MedGen C4014993, MONDO:0014462, OMIM 616032.

Allele frequency attached by ClinVar (database versions not stated): gnomAD exomes 0.00001 and 0.00002; ExAC 0.00002; TOPMed 0.00012; gnomAD 0.00014.
gnomAD v4.1: 38 of 1,614,152 alleles (0.0024%); highest among the groups gnomAD compares: African/African-American, 0.043%; no homozygotes.

Submissions (3):

Clinical Genomics Laboratory, Washington University in St. Louis
Classification: Uncertain significance for Focal segmental glomerulosclerosis 8. Last evaluated: 2024-04-08. Review status: criteria provided, single submitter. Criteria: ACMG Guidelines, 2015. Collection method: clinical testing. Allele origin: germline.
Comment: The ANLN c. 1198A>G (p.Ile400Val) variant, to our knowledge, has not been reported in the medical literature in relation to renal disease. This variant is observed on 9/282,768 alleles in the general population (gnomAD v2.1.1). This variant has been reported in the ClinVar database as a variant of uncertain significance by two submitters (ClinVar ID: 1440732). Computational predictors suggest that the variant does not impact ANLN function. Due to limited information, and based on ACMG/AMP guidelines for variant interpretation (Richards S et al., PMID: 25741868), the clinical significance of this variant is uncertain at this time.

Labcorp Genetics (formerly Invitae), Labcorp
Classification: Uncertain significance. Last evaluated: 2022-06-27. Review status: criteria provided, single submitter. Criteria: Invitae Variant Classification Sherloc (09022015). Collection method: clinical testing. Allele origin: germline.
Comment: This sequence change replaces isoleucine, which is neutral and non-polar, with valine, which is neutral and non-polar, at codon 400 of the ANLN protein (p.Ile400Val). In summary, the available evidence is currently insufficient to determine the role of this variant in disease. Therefore, it has been classified as a Variant of Uncertain Significance. Algorithms developed to predict the effect of missense changes on protein structure and function output the following: SIFT: "Tolerated"; PolyPhen-2: "Benign"; Align-GVGD: "Class C0". The valine amino acid residue is found in multiple mammalian species, which suggests that this missense change does not adversely affect protein function. This variant has not been reported in the literature in individuals affected with ANLN-related conditions. This variant is present in population databases (rs780364655, gnomAD 0.03%).

Ambry Genetics
Classification: Uncertain significance. Last evaluated: 2021-10-12. Review status: criteria provided, single submitter. Criteria: Ambry Variant Classification Scheme 2023. Collection method: clinical testing. Allele origin: germline.